The following is an entry in ClinVar:

NM_001297.5(CNGB1):c.166G>A (p.Glu56Lys)

Gene: CNGB1 (cyclic nucleotide gated channel subunit beta 1; minus strand). Cytogenetic location: 16q21.
Variant type: single nucleotide variant.
Coding change: c.166G>A on transcript NM_001297.5 (MANE Select); coding-DNA position 166, G replaced by A.
Protein change: p.Glu56Lys; replaces glutamic acid 56 with lysine.
Molecular consequence: missense variant.
Genome position (GRCh38, 1-based): chr16:57,964,538, C>T on the plus strand (G>A on the coding strand, the complement: CNGB1 is on the minus strand). VCF-style: chr16-57964538-C-T. GRCh37 (hg19) VCF-style: chr16-57998442-C-T.
Other names: c.166G>A, p.Glu56Lys (NM_001135639.2, NM_001286130.2); short protein forms E56K.
Identifiers: ClinVar variation 1964533 (VCV001964533.3), dbSNP rs772006490, ClinGen allele CA8083968.

ClinVar aggregate classification (germline): Uncertain significance. Review status: criteria provided, multiple submitters, no conflicts (2 of 4 stars). 2 submissions from 2 submitters: Uncertain significance (2). Last evaluated 2024-01-30.

Allele frequency attached by ClinVar (database versions not stated): ExAC 0.00001; gnomAD 0.00001; gnomAD exomes 0.00001; TOPMed 0.00003.
gnomAD v4.1: 14 of 1,611,310 alleles (0.00087%); highest among the groups gnomAD compares: Middle Eastern, 0.017%; no homozygotes.

Submissions (2):

Blueprint Genetics
Classification: Uncertain significance. Last evaluated: 2024-01-30. Review status: criteria provided, single submitter. Criteria: ACMG Guidelines, 2015. Collection method: clinical testing. Allele origin: germline.

Labcorp Genetics (formerly Invitae), Labcorp
Classification: Uncertain significance. Last evaluated: 2022-08-16. Review status: criteria provided, single submitter. Criteria: Invitae Variant Classification Sherloc (09022015). Collection method: clinical testing. Allele origin: germline.
Comment: This sequence change replaces glutamic acid, which is acidic and polar, with lysine, which is basic and polar, at codon 56 of the CNGB1 protein (p.Glu56Lys). This variant is present in population databases (rs772006490, gnomAD 0.004%). This variant has not been reported in the literature in individuals affected with CNGB1-related conditions. Advanced modeling of protein sequence and biophysical properties (such as structural, functional, and spatial information, amino acid conservation, physicochemical variation, residue mobility, and thermodynamic stability) performed at Invitae indicates that this missense variant is not expected to disrupt CNGB1 protein function. Algorithms developed to predict the effect of sequence changes on RNA splicing suggest that this variant may disrupt the consensus splice site. In summary, the available evidence is currently insufficient to determine the role of this variant in disease. Therefore, it has been classified as a Variant of Uncertain Significance.